The following is an entry in ClinVar:

ClinVar aggregate classification (germline): Conflicting classifications of pathogenicity. Review status: criteria provided, conflicting classifications (1 of 4 stars). 5 submissions from 5 submitters: Uncertain significance (4); Benign (1). Last evaluated 2025-10-10.

Conditions:
Inborn genetic diseases. Identifiers: MedGen C0950123, MeSH D030342.
Hearing impairment. Also called: Impaired Hearing. Identifiers: MedGen C1384666, MONDO:0005365, HP:0000365.

Allele frequency attached by ClinVar (database versions not stated): ExAC 0.00023; gnomAD 0.00023 and 0.00025; gnomAD exomes 0.00025 and 0.00038; TOPMed 0.00028; ESP Exome Variant Server 0.00059.
gnomAD v4.1: 591 of 1,612,450 alleles (0.037%); highest among the groups gnomAD compares: Non-Finnish European, 0.044%; no homozygotes.

Submissions (5):

GeneDx
Classification: Uncertain significance. Last evaluated: 2025-10-10. Review status: criteria provided, single submitter. Criteria: GeneDx Variant Classification Process June 2021. Collection method: clinical testing. Allele origin: germline. Affected: yes.
Comment: In silico analysis supports that this missense variant has a deleterious effect on protein structure/function; Has not been previously published as pathogenic or benign to our knowledge

Labcorp Genetics (formerly Invitae), Labcorp
Classification: Benign. Last evaluated: 2025-04-21. Review status: criteria provided, single submitter. Criteria: Invitae Variant Classification Sherloc (09022015). Collection method: clinical testing. Allele origin: germline.

Blueprint Genetics
Classification: Uncertain significance. Last evaluated: 2024-11-26. Review status: criteria provided, single submitter. Criteria: ACMG Guidelines, 2015. Collection method: clinical testing. Allele origin: germline.

Ambry Genetics
Classification: Uncertain significance for Inborn genetic diseases. Last evaluated: 2021-09-17. Review status: criteria provided, single submitter. Criteria: Ambry Variant Classification Scheme 2023. Collection method: clinical testing. Allele origin: germline.

Department of Otolaryngology – Head & Neck Surgery, Cochlear Implant Center
Classification: Uncertain significance for Hearing impairment. Last evaluated: 2021-04-12. Review status: criteria provided, single submitter. Criteria: ClinGen HL ACMG Specifications v1. Collection method: clinical testing. Allele origin: germline. Affected: yes.
Comment: PM2_Supporting, PP3_Supporting

NM_032229.3(SLITRK6):c.1318T>G (p.Leu440Val)

Gene: SLITRK6 (SLIT and NTRK like family member 6; minus strand). Cytogenetic location: 13q31.1.
Variant type: single nucleotide variant.
Coding change: c.1318T>G on transcript NM_032229.3 (MANE Select); coding-DNA position 1318, T replaced by G.
Protein change: p.Leu440Val; replaces leucine 440 with valine.
Molecular consequence: missense variant.
Genome position (GRCh38, 1-based): chr13:85,795,191, A>C on the plus strand (T>G on the coding strand, the complement: SLITRK6 is on the minus strand). VCF-style: chr13-85795191-A-C. GRCh37 (hg19) VCF-style: chr13-86369326-A-C.
Other names: short protein forms L440V.
Identifiers: ClinVar variation 718082 (VCV000718082.18), dbSNP rs200767869, ClinGen allele CA7015117.